The following is an entry in ClinVar:

ClinVar aggregate classification (germline): Pathogenic. Review status: criteria provided, multiple submitters, no conflicts (2 of 4 stars). 2 submissions from 2 submitters: Pathogenic (2). Last evaluated 2026-08-24.

Conditions:
Birt-Hogg-Dube syndrome. Also called: Birt Hogg Dubé syndrome. Identifiers: Orphanet 122, MedGen C0346010, MONDO:0800444.
Hereditary cancer-predisposing syndrome. Also called: Hereditary Cancer Syndrome; Hereditary neoplastic syndrome; Neoplastic Syndromes, Hereditary; Tumor predisposition. Identifiers: Orphanet 140162, MedGen C0027672, MeSH D009386, MONDO:0015356.

Submissions (2):

Ambry Genetics
Classification: Pathogenic for Hereditary cancer-predisposing syndrome. Last evaluated: 2026-08-24. Review status: criteria provided, single submitter. Criteria: Ambry Variant Classification Scheme 2023. Collection method: clinical testing. Allele origin: germline.
Comment: The p.E146* variant (also known as c.436G>T), located in coding exon 3 of the FLCN gene, results from a G to T substitution at nucleotide position 436. This changes the amino acid from a glutamic acid to a stop codon within coding exon 3. This variant is considered to be rare based on population cohorts in the Genome Aggregation Database (gnomAD). This alteration is expected to result in loss of function by premature protein truncation or nonsense-mediated mRNA decay. As such, this alteration is interpreted as a disease-causing mutation.

Labcorp Genetics (formerly Invitae), Labcorp
Classification: Pathogenic for Birt-Hogg-Dube syndrome. Last evaluated: 2022-11-04. Review status: criteria provided, single submitter. Criteria: Invitae Variant Classification Sherloc (09022015). Collection method: clinical testing. Allele origin: germline.
Comment: This variant has not been reported in the literature in individuals affected with FLCN-related conditions. This variant is not present in population databases (gnomAD no frequency). This sequence change creates a premature translational stop signal (p.Glu146*) in the FLCN gene. It is expected to result in an absent or disrupted protein product. Loss-of-function variants in FLCN are known to be pathogenic (PMID: 15852235). For these reasons, this variant has been classified as Pathogenic.

Literature cited by the submitters: PubMed 15852235 (cited by Labcorp Genetics (formerly Invitae), Labcorp).

NM_144997.7(FLCN):c.436G>T (p.Glu146Ter)

Gene: FLCN (folliculin; minus strand). Cytogenetic location: 17p11.2.
Variant type: single nucleotide variant.
Coding change: c.436G>T on transcript NM_144997.7 (MANE Select); coding-DNA position 436, G replaced by T.
Protein change: p.Glu146Ter; replaces glutamic acid 146 with a stop codon.
Molecular consequence: nonsense.
Genome position (GRCh38, 1-based): chr17:17,224,104, C>A on the plus strand (G>T on the coding strand, the complement: FLCN is on the minus strand). VCF-style: chr17-17224104-C-A. GRCh37 (hg19) VCF-style: chr17-17127418-C-A.
Other names: c.490G>T, p.Glu164Ter (NM_001353229.2); c.436G>T, p.Glu146Ter (NM_001353230.2, NM_001353231.2, NM_144606.7); short protein forms E146*, E164*.
Identifiers: ClinVar variation 2812150 (VCV002812150.4), dbSNP rs2144981673, ClinGen allele CA398534569.